The following is an entry in ClinVar:

ClinVar aggregate classification (germline): Uncertain significance (1 of 4 stars; one submission).

Conditions:
Acrocallosal syndrome (ACLS). Also called: HALLUX DUPLICATION, POSTAXIAL POLYDACTYLY, AND ABSENCE OF CORPUS CALLOSUM; Schinzel syndrome 1; Absence of corpus callosum with unusual facial appearance, mental deficiency, duplication of the halluces and polydactyly. Identifiers: Orphanet 36, MedGen C0796147, MONDO:0008708, OMIM 200990.

gnomAD v4.1: 8 of 1,607,734 alleles (0.0005%); highest among the groups gnomAD compares: South Asian, 0.0088%; no homozygotes.

Submission:

Labcorp Genetics (formerly Invitae), Labcorp
Classification: Uncertain significance for Acrocallosal syndrome. Last evaluated: 2021-10-22. Review status: criteria provided, single submitter. Criteria: Invitae Variant Classification Sherloc (09022015). Collection method: clinical testing. Allele origin: germline.
Comment: Algorithms developed to predict the effect of missense changes on protein structure and function are either unavailable or do not agree on the potential impact of this missense change (SIFT: "Tolerated"; PolyPhen-2: "Possibly Damaging"; Align-GVGD: "Class C0"). This variant has not been reported in the literature in individuals affected with KIF7-related conditions. This variant is present in population databases (rs76346806, ExAC 0.02%). This sequence change replaces glycine with arginine at codon 1176 of the KIF7 protein (p.Gly1176Arg). The glycine residue is moderately conserved and there is a moderate physicochemical difference between glycine and arginine. In summary, the available evidence is currently insufficient to determine the role of this variant in disease. Therefore, it has been classified as a Variant of Uncertain Significance.

NM_198525.3(KIF7):c.3526G>C (p.Gly1176Arg)

Genes: KIF7 (kinesin family member 7; minus strand), LOC126862216 (BRD4-independent group 4 enhancer GRCh37_chr15:90171995-90173194; plus strand). Cytogenetic location: 15q26.1.
Variant type: single nucleotide variant.
Coding change: c.3526G>C on transcript NM_198525.3 (MANE Select); coding-DNA position 3526, G replaced by C.
Protein change: p.Gly1176Arg; replaces glycine 1176 with arginine.
Molecular consequence: missense variant.
Genome position (GRCh38, 1-based): chr15:89,629,114, C>G on the plus strand (G>C on the coding strand, the complement: KIF7 is on the minus strand). VCF-style: chr15-89629114-C-G. GRCh37 (hg19) VCF-style: chr15-90172345-C-G.
Other names: short protein forms G1176R.
Identifiers: ClinVar variation 1388646 (VCV001388646.6), dbSNP rs76346806, ClinGen allele CA7727644.
Genomic context (GRCh38, chr15:89,629,114, plus strand): 5'-CCTTCTCCAGAGCTTGAATCCGGGCCTCATACTGCCTCCTGCTGTCTGCTAACCCTTCAC[C>G]GAGGTGGTCTAGAGTGGAAAGGTCGAGGAGAGGGTGGTGAGGGCTGCAGGCGGGGCAGGC-3'
Protein context (NP_940927.2, residues 1166-1186): LLLQQSRDHL[Gly1176Arg]EGLADSRRQY